The following is an entry in ClinVar:

ClinVar aggregate classification (germline): Benign. Review status: criteria provided, multiple submitters, no conflicts (2 of 4 stars). 4 submissions from 4 submitters: Benign (4). Last evaluated 2026-02-03.

Conditions:
Landau-Kleffner syndrome (FESD). Also called: APHASIA, ACQUIRED, WITH EPILEPSY; EPILEPSY, FOCAL, WITH SPEECH DISORDER AND WITH OR WITHOUT MENTAL RETARDATION. Identifiers: Orphanet 1945, Orphanet 725, Orphanet 98818, MedGen C0282512, MONDO:0009509, OMIM 245570.

Allele frequency attached by ClinVar (database versions not stated): gnomAD exomes 0.00312 and 0.00803; ExAC 0.00975; gnomAD 0.03199 and 0.03409; ESP Exome Variant Server 0.03386; 1000 Genomes Project 0.03534; TOPMed 0.03552; 1000 Genomes Project 30x 0.03592.
gnomAD v4.1: 9,214 of 1,480,722 alleles (0.62%); highest among the groups gnomAD compares: African/African-American, 11%; 470 homozygotes.

Submissions (5):

Labcorp Genetics (formerly Invitae), Labcorp
Classification: Benign for Landau-Kleffner syndrome. Last evaluated: 2026-02-03. Review status: criteria provided, single submitter. Criteria: Invitae Variant Classification Sherloc (09022015). Collection method: clinical testing. Allele origin: germline.

GeneDx
Classification: Benign. Last evaluated: 2013-10-31. Review status: criteria provided, single submitter. Criteria: GeneDx Variant Classification (06012015). Collection method: clinical testing. Allele origin: germline. Affected: yes.
Comment: This variant is considered likely benign or benign based on one or more of the following criteria: it is a conservative change, it occurs at a poorly conserved position in the protein, it is predicted to be benign by multiple in silico algorithms, and/or has population frequency not consistent with disease.

Breakthrough Genomics
Classification: Benign. Review status: criteria provided, single submitter. Criteria: ACMG Guidelines, 2015. Collection method: not provided. Allele origin: germline. Inheritance: Autosomal dominant inheritance. Affected: yes.

PreventionGenetics, part of Exact Sciences
Classification: Benign. Review status: criteria provided, single submitter. Criteria: ACMG Guidelines, 2015. Collection method: clinical testing. Allele origin: germline.

Dr. Peter K. Rogan Lab, Western University
No classification provided (evidence only). Condition: Cervical cancer. Review status: no classification provided. Collection method: in vitro. Allele origin: not applicable. Functional consequence: retained intron. Not counted in ClinVar's aggregate classification.

NM_001134407.3(GRIN2A):c.1008-16C>G

Gene: GRIN2A (glutamate ionotropic receptor NMDA type subunit 2A; minus strand). Cytogenetic location: 16p13.2.
Variant type: single nucleotide variant.
Coding change: c.1008-16C>G on transcript NM_001134407.3 (MANE Select); 16 bases into the intron before coding-DNA position 1008, C replaced by G.
Molecular consequence: intron variant.
Genome position (GRCh38, 1-based): chr16:9,891,116, G>C on the plus strand (C>G on the coding strand, the complement: GRIN2A is on the minus strand). VCF-style: chr16-9891116-G-C. GRCh37 (hg19) VCF-style: chr16-9984973-G-C.
Other names: c.1008-16C>G (NM_001134408.2, NM_000833.5).
Identifiers: ClinVar variation 137507 (VCV000137507.12), dbSNP rs9932916, ClinGen allele CA291116.